The following is an entry in ClinVar:

ClinVar aggregate classification (germline): Uncertain significance. Review status: criteria provided, multiple submitters, no conflicts (2 of 4 stars). 2 submissions from 2 submitters: Uncertain significance (2). Last evaluated 2025-04-07.

Conditions:
Ataxia-telangiectasia-like disorder (ATLD). Identifiers: MedGen C1858391, MONDO:0011457.
Hereditary cancer-predisposing syndrome. Also called: Hereditary neoplastic syndrome; Neoplastic Syndromes, Hereditary; Tumor predisposition; Hereditary Cancer Syndrome. Identifiers: Orphanet 140162, MedGen C0027672, MeSH D009386, MONDO:0015356.

Allele frequency attached by ClinVar (database versions not stated): gnomAD exomes 0.00001 and 0.00002; ExAC 0.00002; TOPMed 0.00002; gnomAD 0.00003.
gnomAD v4.1: 12 of 1,612,654 alleles (0.00074%); highest among the groups gnomAD compares: African/African-American, 0.0067%; no homozygotes.

Submissions (2):

Labcorp Genetics (formerly Invitae), Labcorp
Classification: Uncertain significance for Ataxia-telangiectasia-like disorder. Last evaluated: 2025-04-07. Review status: criteria provided, single submitter. Criteria: Invitae Variant Classification Sherloc (09022015). Collection method: clinical testing. Allele origin: germline.
Comment: This sequence change replaces threonine, which is neutral and polar, with methionine, which is neutral and non-polar, at codon 36 of the MRE11 protein (p.Thr36Met). This variant is present in population databases (rs768676557, gnomAD 0.008%). This variant has not been reported in the literature in individuals affected with MRE11-related conditions. ClinVar contains an entry for this variant (Variation ID: 185511). An algorithm developed to predict the effect of missense changes on protein structure and function (PolyPhen-2) suggests that this variant is likely to be disruptive. In summary, the available evidence is currently insufficient to determine the role of this variant in disease. Therefore, it has been classified as a Variant of Uncertain Significance.

Ambry Genetics
Classification: Uncertain significance for Hereditary cancer-predisposing syndrome. Last evaluated: 2024-11-14. Review status: criteria provided, single submitter. Criteria: Ambry Variant Classification Scheme 2023. Collection method: clinical testing. Allele origin: germline.

NM_005591.4(MRE11):c.107C>T (p.Thr36Met)

Gene: MRE11 (MRE11 double strand break repair nuclease; minus strand). Cytogenetic location: 11q21.
Variant type: single nucleotide variant.
Coding change: c.107C>T on transcript NM_005591.4 (MANE Select); coding-DNA position 107, C replaced by T.
Protein change: p.Thr36Met; replaces threonine 36 with methionine.
Molecular consequence: missense variant.
Genome position (GRCh38, 1-based): chr11:94,490,879, G>A on the plus strand (C>T on the coding strand, the complement: MRE11 is on the minus strand). VCF-style: chr11-94490879-G-A. GRCh37 (hg19) VCF-style: chr11-94224045-G-A.
Other names: c.107C>T, p.Thr36Met (NM_001330347.2, NM_005590.4); short protein forms T36M.
Identifiers: ClinVar variation 185511 (VCV000185511.13), dbSNP rs768676557, ClinGen allele CA192154.